The following is an entry in ClinVar:

ClinVar aggregate classification (germline): Uncertain significance (1 of 4 stars; one submission).

Conditions:
Breast-ovarian cancer, familial, susceptibility to, 1 (BROVCA1). Also called: BRCA1 Hereditary Breast and Ovarian Cancer; OVARIAN CANCER, SUSCEPTIBILITY TO. Identifiers: Orphanet 145, MedGen C2676676, MONDO:0011450, OMIM 604370. Disease mechanism: loss of function.

Submission:

All of Us Research Program, National Institutes of Health
Classification: Uncertain significance for Breast-ovarian cancer, familial, susceptibility to, 1. Last evaluated: 2023-07-10. Review status: criteria provided, single submitter. Criteria: ACMG Guidelines, 2015. Collection method: clinical testing. Allele origin: germline. Inheritance: Autosomal dominant inheritance. Observed: 1 variant allele, 1 heterozygote.
Comment: This missense variant replaces arginine with threonine at codon 136 of the BRCA1 protein. Computational prediction is inconclusive regarding the impact of this variant on protein structure and function (internally defined REVEL score threshold 0.5 < inconclusive < 0.7, PMID: 27666373). To our knowledge, functional studies have not been reported for this variant. This variant has not been reported in individuals affected with hereditary cancer in the literature. This variant has not been identified in the general population by the Genome Aggregation Database (gnomAD). The available evidence is insufficient to determine the role of this variant in disease conclusively. Therefore, this variant is classified as a Variant of Uncertain Significance.

This study involves interpretation of variants in research participants for the purpose of population health screening. Participant phenotype was not available at the time of variant classification. Additional details can be found in publication PMID: 35346344, PMCID: PMC8962531

NM_007294.4(BRCA1):c.407G>C (p.Arg136Thr)

Gene: BRCA1 (BRCA1 DNA repair associated; minus strand). Cytogenetic location: 17q21.31.
Variant type: single nucleotide variant.
Coding change: c.407G>C on transcript NM_007294.4 (MANE Select); coding-DNA position 407, G replaced by C.
Protein change: p.Arg136Thr; replaces arginine 136 with threonine.
Molecular consequence: missense variant. On other transcripts: intron variant (2).
Genome position (GRCh38, 1-based): chr17:43,104,156, C>G on the plus strand (G>C on the coding strand, the complement: BRCA1 is on the minus strand). VCF-style: chr17-43104156-C-G. GRCh37 (hg19) VCF-style: chr17-41256173-C-G.
Other names: c.266G>C, p.Arg89Thr (NM_001407928.1, NM_001407929.1, NM_001407930.1 and 99 more transcripts); c.197G>C, p.Arg66Thr (NM_001407947.1, NM_001407948.1, NM_001407949.1 and 58 more transcripts); c.26G>C, p.Arg9Thr (NM_001407959.1, NM_001407960.1, NM_001407962.1 and 4 more transcripts); c.407G>C, p.Arg136Thr (NM_001407968.1, NM_001407969.1, NM_001407970.1 and 165 more transcripts); c.329G>C, p.Arg110Thr (NM_001408412.1, NM_001408413.1, NM_001408414.1 and 21 more transcripts); c.398G>C, p.Arg133Thr (NM_001407646.1, NM_001407647.1, NM_001408408.1); c.-218-9296G>C (NM_001407967.1, NM_001407966.1); c.275G>C, p.Arg92Thr (NM_001408451.1); short protein forms R110T, R133T, R136T, R66T, R89T, R92T, R9T.
Identifiers: ClinVar variation 3069240 (VCV003069240.1), dbSNP rs1437476481, ClinGen allele CA10601330.